The following is an entry in ClinVar:

NM_001277115.2(DNAH11):c.185T>C (p.Leu62Pro)

Gene: DNAH11 (dynein axonemal heavy chain 11; plus strand). Cytogenetic location: 7p15.3.
Variant type: single nucleotide variant.
Coding change: c.185T>C on transcript NM_001277115.2 (MANE Select); coding-DNA position 185, T replaced by C.
Protein change: p.Leu62Pro; replaces leucine 62 with proline.
Molecular consequence: missense variant.
Genome position (GRCh38, 1-based): chr7:21,543,430, T>C. VCF-style: chr7-21543430-T-C. GRCh37 (hg19) VCF-style: chr7-21583048-T-C.
Other names: short protein forms L62P.
Identifiers: ClinVar variation 652360 (VCV000652360.2), dbSNP rs969842140, ClinGen allele CA155057893.

ClinVar aggregate classification (germline): Uncertain significance. Review status: criteria provided, multiple submitters, no conflicts (2 of 4 stars). 2 submissions from 2 submitters: Uncertain significance (2). Last evaluated 2025-04-03.

Conditions:
Primary ciliary dyskinesia. Also called: Ciliary dyskinesia. Identifiers: Orphanet 244, MedGen C0008780, MONDO:0016575, HP:0012265.

Allele frequency attached by ClinVar (database versions not stated): TOPMed 0.00008; gnomAD exomes below 0.00001; gnomAD 0.00002.
gnomAD v4.1: 6 of 1,557,192 alleles (0.00039%); highest among the groups gnomAD compares: Admixed American, 0.0058%; no homozygotes.

Submissions (2):

Ambry Genetics
Classification: Uncertain significance for Primary ciliary dyskinesia. Last evaluated: 2025-04-03. Review status: criteria provided, single submitter. Criteria: Ambry Variant Classification Scheme 2023. Collection method: clinical testing. Allele origin: germline.

Labcorp Genetics (formerly Invitae), Labcorp
Classification: Uncertain significance for Primary ciliary dyskinesia. Last evaluated: 2018-10-24. Review status: criteria provided, single submitter. Criteria: Invitae Variant Classification Sherloc (09022015). Collection method: clinical testing. Allele origin: germline.
Comment: This sequence change replaces leucine with prolineÂ¬â€ at codon 62 of the DNAH11 protein (p.Leu62Pro). The leucine residue is moderately conserved and there is a moderate physicochemical difference between leucine and proline. This variant is not present in population databases (ExAC no frequency). This variant has not been reported in the literature in individuals with DNAH11-related disease. Algorithms developed to predict the effect of missense changes on protein structure and function are either unavailable or do not agree on the potential impact of this missense change (SIFT: "Deleterious"; PolyPhen-2: "Possibly Damaging"; Align-GVGD: "Class C0"). In summary, the available evidence is currently insufficient to determine the role of this variant in disease. Therefore, it has been classified as a Variant of Uncertain Significance.